The following is an entry in ClinVar:

ClinVar aggregate classification (germline): Conflicting classifications of pathogenicity. Review status: criteria provided, conflicting classifications (1 of 4 stars). 3 submissions from 3 submitters: Uncertain significance (2); Likely benign (1). Last evaluated 2026-06-16.

Conditions:
Cardiovascular phenotype. Identifiers: MedGen CN230736.
Hereditary cancer-predisposing syndrome. Also called: Tumor predisposition; Hereditary Cancer Syndrome; Neoplastic Syndromes, Hereditary; Hereditary neoplastic syndrome. Identifiers: Orphanet 140162, MedGen C0027672, MeSH D009386, MONDO:0015356.
Neurofibromatosis, type 1 (NF1). Also called: NEUROFIBROMATOSIS, TYPE I, SOMATIC; VON RECKLINGHAUSEN DISEASE; Neurofibromatosis, type I; Peripheral type neurofibromatosis. Identifiers: Orphanet 636, MedGen C0027831, MONDO:0018975, OMIM 162200. Disease mechanism: loss of function.

Submissions (3):

Ambry Genetics
Classification: Likely benign for Cardiovascular phenotype; Hereditary cancer-predisposing syndrome. Last evaluated: 2026-06-16. Review status: criteria provided, single submitter. Criteria: Ambry Variant Classification Scheme 2023. Collection method: clinical testing. Allele origin: germline.

Labcorp Genetics (formerly Invitae), Labcorp
Classification: Uncertain significance for Neurofibromatosis, type 1. Last evaluated: 2022-08-10. Review status: criteria provided, single submitter. Criteria: Invitae Variant Classification Sherloc (09022015). Collection method: clinical testing. Allele origin: germline.
Comment: This sequence change replaces alanine, which is neutral and non-polar, with serine, which is neutral and polar, at codon 782 of the NF1 protein (p.Ala782Ser). This variant is not present in population databases (gnomAD no frequency). This variant has not been reported in the literature in individuals affected with NF1-related conditions. ClinVar contains an entry for this variant (Variation ID: 821128). Advanced modeling of protein sequence and biophysical properties (such as structural, functional, and spatial information, amino acid conservation, physicochemical variation, residue mobility, and thermodynamic stability) performed at Invitae indicates that this missense variant is not expected to disrupt NF1 protein function. In summary, the available evidence is currently insufficient to determine the role of this variant in disease. Therefore, it has been classified as a Variant of Uncertain Significance.

Genome-Nilou Lab
Classification: Uncertain significance for Neurofibromatosis, type 1. Last evaluated: 2022-03-15. Review status: criteria provided, single submitter. Criteria: ACMG Guidelines, 2015. Collection method: clinical testing. Allele origin: germline. Affected: no.

NM_001042492.3(NF1):c.2344G>T (p.Ala782Ser)

Gene: NF1 (neurofibromin 1; plus strand). Cytogenetic location: 17q11.2.
Variant type: single nucleotide variant.
Coding change: c.2344G>T on transcript NM_001042492.3 (MANE Select); coding-DNA position 2344, G replaced by T.
Protein change: p.Ala782Ser; replaces alanine 782 with serine.
Molecular consequence: missense variant.
Genome position (GRCh38, 1-based): chr17:31,227,541, G>T. VCF-style: chr17-31227541-G-T. GRCh37 (hg19) VCF-style: chr17-29554559-G-T.
Other names: c.2344G>T, p.Ala782Ser (NM_000267.4); short protein forms A782S.
Identifiers: ClinVar variation 821128 (VCV000821128.11), dbSNP rs1352143970, ClinGen allele CA398983075.